The following is an entry in ClinVar:

NM_001142864.4(PIEZO1):c.4955+1G>A

Gene: PIEZO1 (piezo type mechanosensitive ion channel component 1 (Er blood group); minus strand). Cytogenetic location: 16q24.3.
Variant type: single nucleotide variant.
Coding change: c.4955+1G>A on transcript NM_001142864.4 (MANE Select); the canonical splice donor site of the intron after coding-DNA position 4955, G replaced by A.
Molecular consequence: splice donor variant.
Genome position (GRCh38, 1-based): chr16:88,722,217, C>T on the plus strand (G>A on the coding strand, the complement: PIEZO1 is on the minus strand). VCF-style: chr16-88722217-C-T. GRCh37 (hg19) VCF-style: chr16-88788625-C-T.
Identifiers: ClinVar variation 3235941 (VCV003235941.1), dbSNP rs2507854281, ClinGen allele CA397093902.

ClinVar aggregate classification (germline): Likely pathogenic (1 of 4 stars; one submission).

Conditions:
Lymphatic malformation 6 (LMPHM6). Also called: GENERALIZED LYMPHATIC DYSPLASIA OF FOTIOU; Lymphedema, hereditary, III; PIEZO1-related generalized lymphatic dysplasia with non-immune hydrops fetalis. Identifiers: Orphanet 568062, MedGen C4225184, MONDO:0014797, OMIM 616843.

Allele frequency attached by ClinVar (database versions not stated): gnomAD exomes below 0.00001.
gnomAD v4.1: 1 of 1,545,776 alleles (0.000065%); highest among the groups gnomAD compares: Non-Finnish European, 0.000087%; no homozygotes.

Submission:

New York Genome Center
Classification: Likely pathogenic for Lymphatic malformation 6. Last evaluated: 2022-12-02. Review status: criteria provided, single submitter. Criteria: NYGC Assertion Criteria 2020. Collection method: clinical testing. Allele origin: inherited. Affected: yes. Observed: 1 compound heterozygote. Study: PrenatalSEQ.
Comment: The c.4955+1G>A variant in PIEZO1 has not previously been reported in the literature or public variant repositories (ClinVar and LOVD), and is absent from population databases (gnomAD v2.1.1 and v3.1.2, TOPMed Freeze 8), suggesting it is not a common benign variant in the populations represented in those databases.The c.4955+1G>A variant is located in the canonical splice donor site of exon 36 of this 51 exon gene, and is predicted to affect mRNA splicing, which might result in exon skipping or full/partial intron retention and lead to loss-of-function via nonsense mediated decay; however, there are no functional studies to support or refute these predictions. Variants affecting the canonical splice donor/acceptor sites of other exons have been reported in the literature in individuals with lymphatic malformation and non-immune hydrops fetalis [PMID: 32596782]. Based on available evidence this inherited c.4955+1G>A variant identified in PIEZO1 is classified as Likely pathogenic.